The following is an entry in ClinVar:

NM_003124.5(SPR):c.305-13del

Gene: SPR (sepiapterin reductase; plus strand). Cytogenetic location: 2p13.2.
Variant type: Deletion.
Coding change: c.305-13del on transcript NM_003124.5 (MANE Select); 13 bases into the intron before coding-DNA position 305, one base deleted (G; older notation c.305-13delG).
Molecular consequence: intron variant.
Genome position (GRCh38, 1-based): chr2:72,888,301, G deleted; the last of 3 consecutive G bases (chr2:72,888,299-72,888,301); deleting any one gives the same sequence. VCF-style (leftmost placement, unchanged base first): chr2-72888298-AG-A. GRCh37 (hg19) VCF-style: chr2-73115427-AG-A.
Identifiers: ClinVar variation 3764101 (VCV003764101.1).

ClinVar aggregate classification (germline): Uncertain significance (1 of 4 stars; one submission).

Submission:

GeneDx
Classification: Uncertain significance. Last evaluated: 2024-08-23. Review status: criteria provided, single submitter. Criteria: GeneDx Variant Classification Process June 2021. Collection method: clinical testing. Allele origin: germline. Affected: yes.
Comment: Not observed at significant frequency in large population cohorts (gnomAD); Has not been previously published as pathogenic or benign to our knowledge; In silico analysis suggests this variant may impact gene splicing. In the absence of RNA/functional studies, the actual effect of this sequence change is unknown.